The following is an entry in ClinVar:

ClinVar aggregate classification (germline): Pathogenic (1 of 4 stars; one submission).

Conditions:
Asphyxiating thoracic dystrophy 3. Also called: Short rib polydactyly syndrome 2B; Saldino-Noonan Syndrome; SHORT-RIB THORACIC DYSPLASIA 3 WITH OR WITHOUT POLYDACTYLY; POLYDACTYLY WITH NEONATAL CHONDRODYSTROPHY, TYPE I; SHORT-RIB THORACIC DYSPLASIA 3/6 WITH POLYDACTYLY, DIGENIC. Identifiers: Orphanet 474, Orphanet 93269, Orphanet 93270, Orphanet 93271, MedGen C0036069, MONDO:0013127, OMIM 613091.

Submission:

Centre for Mendelian Genomics, University Medical Centre Ljubljana
Classification: Pathogenic for Asphyxiating thoracic dystrophy 3. Last evaluated: 2019-01-17. Review status: criteria provided, single submitter. Criteria: ACMG Guidelines, 2015. Collection method: clinical testing. Allele origin: unknown. Affected: yes.
Comment: This variant was classified as: Pathogenic. The following ACMG criteria were applied in classifying this variant: PVS1,PM2,PP3.

NM_001080463.1(DYNC2H1):c.7293-2_7298delAGTTACCC

Gene: DYNC2H1 (dynein cytoplasmic 2 heavy chain 1; plus strand). Cytogenetic location: 11q22.3.
Variant type: Deletion.
Coding change: c.7293-2_7298delAGTTACCC on transcript NM_001080463.1; the canonical splice acceptor site of the intron before coding-DNA position 7293 through coding-DNA position 7298, AGTTACCC deleted.
Genome position: GRCh38 VCF-style: chr11-103189669-TAGTTACCC-T. GRCh37 (hg19) VCF-style: chr11-103060398-TAGTTACCC-T.
Identifiers: ClinVar variation 931990 (VCV000931990.5), dbSNP rs1862217660, ClinGen allele CA1139662210.
Genomic context (GRCh38, chr11:103,189,669, plus strand): 5'-TTGAAATATTAATTTGGAATACTGATTTATTTCAGCTTTCTTCTTATATGCCATTTTTTT[TAGTTACCC>T]AGAAAGAGAGCAGTTACAAACGATTTATGGAGCATATTTGGAACCAGTTCTACATAAAAA-3'